The following is an entry in ClinVar:

NM_004586.3(RPS6KA3):c.845+5G>A

Gene: RPS6KA3 (ribosomal protein S6 kinase A3; minus strand). Cytogenetic location: Xp22.12.
Variant type: single nucleotide variant.
Coding change: c.845+5G>A on transcript NM_004586.3 (MANE Select); 5 bases into the intron after coding-DNA position 845, G replaced by A.
Molecular consequence: intron variant.
Genome position (GRCh38, 1-based): chrX:20,186,291, C>T on the plus strand (G>A on the coding strand, the complement: RPS6KA3 is on the minus strand). VCF-style: chrX-20186291-C-T. GRCh37 (hg19) VCF-style: chrX-20204409-C-T.
Identifiers: ClinVar variation 2138487 (VCV002138487.4), dbSNP rs2519725480, ClinGen allele CA2580100444.

ClinVar aggregate classification (germline): Pathogenic (1 of 4 stars; one submission).

Conditions:
Coffin-Lowry syndrome (CLS). Also called: COFFIN-LOWRY SYNDROME, MILD; Mental retardation with osteocartilaginous abnormalities. Identifiers: Orphanet 192, MedGen C0265252, MONDO:0010561, OMIM 303600.
Intellectual developmental disorder, X-linked 19. Also called: Intellectual disability, X-linked 19. Identifiers: Orphanet 777, MedGen C0796225, MONDO:0010447, OMIM 300844.

Submission:

Labcorp Genetics (formerly Invitae), Labcorp
Classification: Pathogenic for Coffin-Lowry syndrome; Intellectual developmental disorder, X-linked 19. Last evaluated: 2022-07-18. Review status: criteria provided, single submitter. Criteria: Invitae Variant Classification Sherloc (09022015). Collection method: clinical testing. Allele origin: germline.
Comment: For these reasons, this variant has been classified as Pathogenic. Variants that disrupt the consensus splice site are a relatively common cause of aberrant splicing (PMID: 17576681, 9536098). Studies have shown that this variant results in skipping of exons 9 and 10 and introduces a premature termination codon (PMID: 11992250). The resulting mRNA is expected to undergo nonsense-mediated decay. This variant is also known as IVS10+5G>A. This variant has been observed in individuals with RPS6KA3-related conditions (PMID: 11992250; Invitae). It has also been observed to segregate with disease in related individuals. This variant is not present in population databases (gnomAD no frequency). This sequence change falls in intron 10 of the RPS6KA3 gene. It does not directly change the encoded amino acid sequence of the RPS6KA3 protein. RNA analysis indicates that this variant induces altered splicing and may result in an absent or disrupted protein product.

Literature cited by the submitters: PubMed 17576681; PubMed 9536098; PubMed 11992250.